The following is an entry in ClinVar:

ClinVar aggregate classification (germline): Benign (1 of 4 stars; one submission).

Conditions:
Congenital brain dysgenesis due to glutamine synthetase deficiency (GLND). Also called: GLUTAMINE SYNTHASE DEFICIENCY, CONGENITAL SYSTEMIC. Identifiers: Orphanet 71278, MedGen C1864910, MONDO:0012393, OMIM 610015.

Allele frequency attached by ClinVar (database versions not stated): 1000 Genomes Project 0.01118; gnomAD 0.00846 and 0.00912; TOPMed 0.00998; 1000 Genomes Project 30x 0.01156.

Submission:

Illumina Laboratory Services, Illumina
Classification: Benign for Congenital brain dysgenesis due to glutamine synthetase deficiency. Last evaluated: 2018-01-12. Review status: criteria provided, single submitter. Criteria: ICSL Variant Classification Criteria 13 December 2019. Collection method: clinical testing. Allele origin: germline.
Comment: This variant was observed in the ICSL laboratory as part of a predisposition screen in an ostensibly healthy population. It had not been previously curated by ICSL or reported in the Human Gene Mutation Database (HGMD: prior to June 1st, 2018), and was therefore a candidate for classification through an automated scoring system. Utilizing variant allele frequency, disease prevalence and penetrance estimates, and inheritance mode, an automated score was calculated to assess if this variant is too frequent to cause the disease. Based on the score and internal cut-off values, a variant classified as benign is not then subjected to further curation. The score for this variant resulted in a classification of benign for this disease.

NM_001033044.4(GLUL):c.*1411C>T

Gene: GLUL (glutamate-ammonia ligase; minus strand). Cytogenetic location: 1q25.3.
Variant type: single nucleotide variant.
Coding change: c.*1411C>T on transcript NM_001033044.4 (MANE Select); 1411 bases downstream of the stop codon, C replaced by T.
Molecular consequence: 3 prime UTR variant.
Genome position (GRCh38, 1-based): chr1:182,382,994, G>A on the plus strand (C>T on the coding strand, the complement: GLUL is on the minus strand). VCF-style: chr1-182382994-G-A. GRCh37 (hg19) VCF-style: chr1-182352129-G-A.
Other names: c.*1411C>T (NM_001033056.4, NM_002065.7).
Identifiers: ClinVar variation 293913 (VCV000293913.5), dbSNP rs1058806, ClinGen allele CA10608895.
Genomic context (GRCh38, chr1:182,382,994, plus strand): 5'-TACACAGTTTGTTTACAATGAGGAGTTATTTGACTTTGAACATACTGTACATGGCAATTA[G>A]AAGTTGTCATGGCAAAAGAAAACCACAGCTGGCCTGCCACAGCCAACACAAGAACCAGAA-3'